The following is an entry in ClinVar:

ClinVar aggregate classification (germline): Uncertain significance. Review status: criteria provided, multiple submitters, no conflicts (2 of 4 stars). 4 submissions from 4 submitters: Uncertain significance (4). Last evaluated 2025-06-01.

Conditions:
Hereditary cancer-predisposing syndrome. Also called: Neoplastic Syndromes, Hereditary; Hereditary Cancer Syndrome; Tumor predisposition; Hereditary neoplastic syndrome. Identifiers: Orphanet 140162, MedGen C0027672, MeSH D009386, MONDO:0015356.
Ataxia-telangiectasia syndrome (AT). Also called: LOUIS-BAR SYNDROME; Cerebello-oculocutaneous telangiectasia; Immunodeficiency with ataxia telangiectasia; Ataxia-telangiectasia, complementation group D; AT, COMPLEMENTATION GROUP C; Ataxia-telangiectasia, complementation group E. Identifiers: Orphanet 100, MedGen C0004135, MONDO:0008840, OMIM 208900.

Allele frequency attached by ClinVar (database versions not stated): gnomAD exomes below 0.00001.
gnomAD v4.1: 3 of 1,613,872 alleles (0.00019%); highest among the groups gnomAD compares: Non-Finnish European, 0.000085%; no homozygotes.

Submissions (4):

Labcorp Genetics (formerly Invitae), Labcorp
Classification: Uncertain significance for Ataxia-telangiectasia syndrome. Last evaluated: 2025-06-01. Review status: criteria provided, single submitter. Criteria: Invitae Variant Classification Sherloc (09022015). Collection method: clinical testing. Allele origin: germline.
Comment: This sequence change replaces proline, which is neutral and non-polar, with serine, which is neutral and polar, at codon 2793 of the ATM protein (p.Pro2793Ser). This variant is present in population databases (no rsID available, gnomAD 0.0009%). This variant has not been reported in the literature in individuals affected with ATM-related conditions. ClinVar contains an entry for this variant (Variation ID: 485166). Invitae Evidence Modeling of protein sequence and biophysical properties (such as structural, functional, and spatial information, amino acid conservation, physicochemical variation, residue mobility, and thermodynamic stability) indicates that this missense variant is expected to disrupt ATM protein function with a positive predictive value of 95%. In summary, the available evidence is currently insufficient to determine the role of this variant in disease. Therefore, it has been classified as a Variant of Uncertain Significance.

Ambry Genetics
Classification: Uncertain significance for Hereditary cancer-predisposing syndrome. Last evaluated: 2024-12-04. Review status: criteria provided, single submitter. Criteria: Ambry Variant Classification Scheme 2023. Collection method: clinical testing. Allele origin: germline.
Comment: The p.P2793S variant (also known as c.8377C>T), located in coding exon 56 of the ATM gene, results from a C to T substitution at nucleotide position 8377. The proline at codon 2793 is replaced by serine, an amino acid with similar properties. This amino acid position is highly conserved in available vertebrate species. In addition, this alteration is predicted to be deleterious by in silico analysis. Based on the available evidence, the clinical significance of this variant remains unclear.

Women's Health and Genetics/Laboratory Corporation of America, LabCorp
Classification: Uncertain significance. Last evaluated: 2023-10-18. Review status: criteria provided, single submitter. Criteria: LabCorp Variant Classification Summary - May 2015. Collection method: clinical testing. Allele origin: germline.

Color Diagnostics, LLC DBA Color Health
Classification: Uncertain significance for Hereditary cancer-predisposing syndrome. Last evaluated: 2018-09-11. Review status: criteria provided, single submitter. Criteria: ACMG Guidelines, 2015. Collection method: clinical testing. Allele origin: germline.

NM_000051.4(ATM):c.8377C>T (p.Pro2793Ser)

Genes: ATM (ATM serine/threonine kinase; plus strand), C11orf65 (chromosome 11 open reading frame 65; minus strand). Cytogenetic location: 11q22.3.
Variant type: single nucleotide variant.
Coding change: c.8377C>T on transcript NM_000051.4 (MANE Select); coding-DNA position 8377, C replaced by T.
Protein change: p.Pro2793Ser; replaces proline 2793 with serine.
Molecular consequence: missense variant. On other transcripts: intron variant (2).
Genome position (GRCh38, 1-based): chr11:108,343,330, C>T. VCF-style: chr11-108343330-C-T. GRCh37 (hg19) VCF-style: chr11-108214057-C-T.
Other names: c.8377C>T, p.Pro2793Ser (NM_001351834.2); c.641-34259G>A (NM_001330368.2); c.695-8038G>A (NM_001351110.2); short protein forms P2793S.
Identifiers: ClinVar variation 485166 (VCV000485166.17), dbSNP rs1174335574, ClinGen allele CA382516540.